The following is an entry in ClinVar:

ClinVar aggregate classification (germline): Uncertain significance. Review status: criteria provided, multiple submitters, no conflicts (2 of 4 stars). 4 submissions from 4 submitters: Uncertain significance (4). Last evaluated 2025-09-16.

Conditions:
Charcot-Marie-Tooth disease type 4A. Also called: Charcot-Marie-Tooth disease, demyelinating, autosomal recessive, type 4a. Identifiers: Orphanet 99948, MedGen C1859198, MONDO:0008961, OMIM 214400.

Allele frequency attached by ClinVar (database versions not stated): gnomAD 0.00001 and 0.00003; TOPMed 0.00003; gnomAD exomes 0.00015; ExAC 0.00016.
gnomAD v4.1: 119 of 1,605,354 alleles (0.0074%); highest among the groups gnomAD compares: South Asian, 0.11%; 1 homozygote.

Submissions (4):

Labcorp Genetics (formerly Invitae), Labcorp
Classification: Uncertain significance for Charcot-Marie-Tooth disease type 4A. Last evaluated: 2025-09-16. Review status: criteria provided, single submitter. Criteria: Invitae Variant Classification Sherloc (09022015). Collection method: clinical testing. Allele origin: germline.
Comment: This sequence change replaces alanine, which is neutral and non-polar, with glycine, which is neutral and non-polar, at codon 2 of the GDAP1 protein (p.Ala2Gly). This variant is present in population databases (rs376868259, gnomAD 0.1%). This missense change has been observed in individual(s) with clinical features of Charcot-Marie-Tooth disease (PMID: 32376792). ClinVar contains an entry for this variant (Variation ID: 467766). Invitae Evidence Modeling of protein sequence and biophysical properties (such as structural, functional, and spatial information, amino acid conservation, physicochemical variation, residue mobility, and thermodynamic stability) indicates that this missense variant is expected to disrupt GDAP1 protein function with a positive predictive value of 95%. In summary, the available evidence is currently insufficient to determine the role of this variant in disease. Therefore, it has been classified as a Variant of Uncertain Significance.

GeneDx
Classification: Uncertain significance. Last evaluated: 2025-07-29. Review status: criteria provided, single submitter. Criteria: GeneDx Variant Classification Process June 2021. Collection method: clinical testing. Allele origin: germline. Affected: yes.
Comment: In silico analysis suggests that this missense variant does not alter protein structure/function; Reported in an individual with Charcot-Marie-Tooth disease (PMID: 32376792); This variant is associated with the following publications: (PMID: 32376792)

Mayo Clinic Laboratories, Mayo Clinic
Classification: Uncertain significance. Last evaluated: 2020-02-18. Review status: criteria provided, single submitter. Criteria: ACMG Guidelines, 2015. Collection method: clinical testing. Allele origin: germline. Observed: 1 variant allele.

Breakthrough Genomics
Classification: Uncertain significance. Review status: criteria provided, single submitter. Criteria: ACMG Guidelines, 2015. Collection method: not provided. Allele origin: germline. Inheritance: Autosomal recessive inheritance. Affected: yes.

Literature cited by the submitters: PubMed 32376792 (cited by Labcorp Genetics (formerly Invitae), Labcorp).

NM_018972.4(GDAP1):c.5C>G (p.Ala2Gly)

Genes: GDAP1 (ganglioside induced differentiation associated protein 1; plus strand), LOC130000622 (ATAC-STARR-seq lymphoblastoid active region 27542; plus strand). Cytogenetic location: 8q21.11.
Variant type: single nucleotide variant.
Coding change: c.5C>G on transcript NM_018972.4 (MANE Select); coding-DNA position 5, C replaced by G.
Protein change: p.Ala2Gly; replaces alanine 2 with glycine.
Molecular consequence: missense variant. On other transcripts: 5 prime UTR variant (3).
Genome position (GRCh38, 1-based): chr8:74,350,466, C>G. VCF-style: chr8-74350466-C-G. GRCh37 (hg19) VCF-style: chr8-75262701-C-G.
Other names: c.-70C>G (NM_001040875.4); c.-178C>G (NM_001362929.2); c.5C>G, p.Ala2Gly (NM_001362930.2, NM_001362931.2); c.-130C>G (NM_001362932.2); short protein forms A2G.
Identifiers: ClinVar variation 467766 (VCV000467766.17), dbSNP rs376868259, ClinGen allele CA4784994.